The following is an entry in ClinVar:

NM_001377540.1(SLMAP):c.2402A>G (p.Gln801Arg)

Gene: SLMAP (sarcolemma associated protein; plus strand). Cytogenetic location: 3p14.3.
Variant type: single nucleotide variant.
Coding change: c.2402A>G on transcript NM_001377540.1 (MANE Select); coding-DNA position 2402, A replaced by G.
Protein change: p.Gln801Arg; replaces glutamine 801 with arginine.
Molecular consequence: missense variant. On other transcripts: non-coding transcript variant (1).
Genome position (GRCh38, 1-based): chr3:57,922,980, A>G. VCF-style: chr3-57922980-A-G. GRCh37 (hg19) VCF-style: chr3-57908707-A-G.
Other names: c.2351A>G, p.Gln784Arg (NM_001304420.3, NM_001377541.1, NM_001377542.1); c.2237A>G, p.Gln746Arg (NM_001304421.2, NM_001377557.1, NM_001377559.1); c.953A>G, p.Gln318Arg (NM_001304422.3, NM_001311178.2); c.755A>G, p.Gln252Arg (NM_001304423.3); c.2423A>G, p.Gln808Arg (NM_001377538.1); c.2402A>G, p.Gln801Arg (NM_001377539.1); c.2339A>G, p.Gln780Arg (NM_001377545.1); c.2300A>G, p.Gln767Arg (NM_001377549.1, NM_007159.5); and 8 more; short protein forms Q767R, Q746R, Q784R, Q252R, Q318R, Q277R, Q705R, Q722R.
Identifiers: ClinVar variation 532119 (VCV000532119.11), dbSNP rs142778041, ClinGen allele CA2467371.

ClinVar aggregate classification (germline): Uncertain significance. Review status: criteria provided, multiple submitters, no conflicts (2 of 4 stars). 3 submissions from 3 submitters: Uncertain significance (3). Last evaluated 2025-12-09.

Conditions:
Brugada syndrome. Also called: Sudden unexplained nocturnal death syndrome; Sudden Unexplained Death Syndrome; Sudden Unexplained Nocturnal Death Syndrome (SUNDS); Sudden unexpected nocturnal death syndrome. Identifiers: Orphanet 130, MedGen C1142166, MONDO:0015263.

Allele frequency attached by ClinVar (database versions not stated): gnomAD 0.00005; ESP Exome Variant Server 0.00008; ExAC 0.00013; gnomAD exomes 0.00013; TOPMed 0.00014; 1000 Genomes Project 30x 0.00016; 1000 Genomes Project 0.00020.
gnomAD v4.1: 209 of 1,614,038 alleles (0.013%); highest among the groups gnomAD compares: Middle Eastern, 0.82%; 2 homozygotes.

Submissions (3):

Labcorp Genetics (formerly Invitae), Labcorp
Classification: Uncertain significance for Brugada syndrome. Last evaluated: 2025-12-09. Review status: criteria provided, single submitter. Criteria: Invitae Variant Classification Sherloc (09022015). Collection method: clinical testing. Allele origin: germline.
Comment: This sequence change replaces glutamine, which is neutral and polar, with arginine, which is basic and polar, at codon 767 of the SLMAP protein (p.Gln767Arg). This variant is present in population databases (rs142778041, gnomAD 0.05%), and has an allele count higher than expected for a pathogenic variant. This variant has not been reported in the literature in individuals affected with SLMAP-related conditions. ClinVar contains an entry for this variant (Variation ID: 532119). An algorithm developed to predict the effect of missense changes on protein structure and function (PolyPhen-2) suggests that this variant is likely to be tolerated. In summary, the available evidence is currently insufficient to determine the role of this variant in disease. Therefore, it has been classified as a Variant of Uncertain Significance.

Ambry Genetics
Classification: Uncertain significance. Last evaluated: 2024-02-06. Review status: criteria provided, single submitter. Criteria: Ambry Variant Classification Scheme 2023. Collection method: clinical testing. Allele origin: germline.

Breakthrough Genomics
Classification: Uncertain significance. Review status: criteria provided, single submitter. Criteria: ACMG Guidelines, 2015. Collection method: not provided. Allele origin: germline. Inheritance: Unknown mechanism. Affected: yes.